The following is an entry in ClinVar:

NM_001378969.1(KCND3):c.1859C>A (p.Pro620His)

Gene: KCND3 (potassium voltage-gated channel subfamily D member 3; minus strand). Cytogenetic location: 1p13.2.
Variant type: single nucleotide variant.
Coding change: c.1859C>A on transcript NM_001378969.1 (MANE Select); coding-DNA position 1859, C replaced by A.
Protein change: p.Pro620His; replaces proline 620 with histidine.
Molecular consequence: missense variant.
Genome position (GRCh38, 1-based): chr1:111,776,186, G>T on the plus strand (C>A on the coding strand, the complement: KCND3 is on the minus strand). VCF-style: chr1-111776186-G-T. GRCh37 (hg19) VCF-style: chr1-112318808-G-T.
Other names: c.1802C>A, p.Pro601His (NM_001378970.1, NM_172198.3); c.1859C>A, p.Pro620His (NM_004980.5); c.1859C>A (NM_004980.4); short protein forms P601H, P620H.
Identifiers: ClinVar variation 1441909 (VCV001441909.9), dbSNP rs758318696, ClinGen allele CA1007333.
Genomic context (GRCh38, chr1:111,776,186, plus strand): 5'-GTGTTGGGGCCTGGGCTGGCAGGGGGTGGCCGACTTTCCCCCTCTGGGGTTAGCGCTGGG[G>T]GAGTGGGGATGCTGATGATGGCTGTGGTGATCTGGGATGTTTTGCAGTTTGGTCTCAGTC-3'
Protein context (NP_001365898.1, residues 610-630): ITTAIISIPT[Pro620His]PALTPEGESR

ClinVar aggregate classification (germline): Uncertain significance. Review status: criteria provided, multiple submitters, no conflicts (2 of 4 stars). 2 submissions from 2 submitters: Uncertain significance (2). Last evaluated 2024-03-12.

Conditions:
Cardiovascular phenotype. Identifiers: MedGen CN230736.
Spinocerebellar ataxia type 19/22 (SCA19). Also called: SPINOCEREBELLAR ATAXIA 22; SPINOCEREBELLAR ATAXIA 19. Identifiers: Orphanet 98772, MedGen C1846367, MONDO:0011819, OMIM 607346.

Allele frequency attached by ClinVar (database versions not stated): ExAC 0.00001; gnomAD exomes 0.00001; TOPMed 0.00002.
gnomAD v4.1: 18 of 1,614,226 alleles (0.0011%); highest among the groups gnomAD compares: Non-Finnish European, 0.0014%; no homozygotes.

Submissions (2):

Labcorp Genetics (formerly Invitae), Labcorp
Classification: Uncertain significance for Spinocerebellar ataxia type 19/22. Last evaluated: 2024-03-12. Review status: criteria provided, single submitter. Criteria: Invitae Variant Classification Sherloc (09022015). Collection method: clinical testing. Allele origin: germline.
Comment: This sequence change replaces proline, which is neutral and non-polar, with histidine, which is basic and polar, at codon 620 of the KCND3 protein (p.Pro620His). This variant is present in population databases (rs758318696, gnomAD 0.002%). This variant has not been reported in the literature in individuals affected with KCND3-related conditions. ClinVar contains an entry for this variant (Variation ID: 1441909). An algorithm developed to predict the effect of missense changes on protein structure and function (PolyPhen-2) suggests that this variant is likely to be disruptive. In summary, the available evidence is currently insufficient to determine the role of this variant in disease. Therefore, it has been classified as a Variant of Uncertain Significance.

Ambry Genetics
Classification: Uncertain significance for Cardiovascular phenotype. Last evaluated: 2024-02-04. Review status: criteria provided, single submitter. Criteria: Ambry Variant Classification Scheme 2023. Collection method: clinical testing. Allele origin: germline.
Comment: The p.P620H variant (also known as c.1859C>A), located in coding exon 7 of the KCND3 gene, results from a C to A substitution at nucleotide position 1859. The proline at codon 620 is replaced by histidine, an amino acid with similar properties. This amino acid position is conserved. In addition, this alteration is predicted to be deleterious by in silico analysis. Based on the available evidence, the clinical significance of this alteration remains unclear.